The following is an entry in ClinVar:

ClinVar aggregate classification (germline): Uncertain significance (1 of 4 stars; one submission).

Conditions:
Cardiovascular phenotype. Identifiers: MedGen CN230736.

Allele frequency attached by ClinVar (database versions not stated): gnomAD exomes below 0.00001.

Submission:

Ambry Genetics
Classification: Uncertain significance for Cardiovascular phenotype. Last evaluated: 2022-11-15. Review status: criteria provided, single submitter. Criteria: Ambry Variant Classification Scheme 2023. Collection method: clinical testing. Allele origin: germline.
Comment: The p.W508R variant (also known as c.1522T>C), located in coding exon 13 of the MYH7 gene, results from a T to C substitution at nucleotide position 1522. The tryptophan at codon 508 is replaced by arginine, an amino acid with dissimilar properties. This amino acid position is highly conserved in available vertebrate species. In addition, this alteration is predicted to be deleterious by in silico analysis. Since supporting evidence is limited at this time, the clinical significance of this alteration remains unclear.

NM_000257.4(MYH7):c.1522T>C (p.Trp508Arg)

Gene: MYH7 (myosin heavy chain 7; minus strand). Cytogenetic location: 14q11.2.
Variant type: single nucleotide variant.
Coding change: c.1522T>C on transcript NM_000257.4 (MANE Select); coding-DNA position 1522, T replaced by C.
Protein change: p.Trp508Arg; replaces tryptophan 508 with arginine.
Molecular consequence: missense variant.
Genome position (GRCh38, 1-based): chr14:23,428,556, A>G on the plus strand (T>C on the coding strand, the complement: MYH7 is on the minus strand). VCF-style: chr14-23428556-A-G. GRCh37 (hg19) VCF-style: chr14-23897765-A-G.
Other names: c.1522T>C, p.Trp508Arg (NM_001407004.1); short protein forms W508R.
Identifiers: ClinVar variation 2496868 (VCV002496868.2), dbSNP rs2502299984, ClinGen allele CA389050408.
Genomic context (GRCh38, chr14:23,428,556, plus strand): 5'-GCACCTTCTCGATGAGGTCAATGCAGGCCTGCAGGTCCATGCCAAAGTCAATGAATGTCC[A>G]CTCGATGCCCTCCTTCTTGTACTCCTCCTGCTCCAGCACAAACATGTGGTGGTTGAAGAA-3'
Protein context (NP_000248.2, residues 498-518): QEEYKKEGIE[Trp508Arg]TFIDFGMDLQ